The following is an entry in ClinVar:

ClinVar aggregate classification (germline): Uncertain significance. Review status: criteria provided, single submitter (1 of 4 stars). 2 submissions from 2 submitters: Uncertain significance (1). 1 of the submissions does not count toward it. Last evaluated 2025-08-01.

Conditions:
MUC5B-related disorder. Also called: MUC5B-related condition.

Allele frequency attached by ClinVar (database versions not stated): gnomAD 0.00005; ESP Exome Variant Server 0.00008; ExAC 0.00011; 1000 Genomes Project 30x 0.00016; 1000 Genomes Project 0.00020.
gnomAD v4.1: 82 of 1,586,570 alleles (0.0052%); highest among the groups gnomAD compares: East Asian, 0.14%; no homozygotes.

Submissions (2):

Ambry Genetics
Classification: Uncertain significance. Last evaluated: 2025-08-01. Review status: criteria provided, single submitter. Criteria: Ambry Variant Classification Scheme 2023. Collection method: clinical testing. Allele origin: germline.

PreventionGenetics, part of Exact Sciences
Classification: Likely benign for MUC5B-related condition. Last evaluated: 2024-07-18. Review status: no assertion criteria provided. Collection method: clinical testing. Allele origin: germline. Not counted in ClinVar's aggregate classification.
Comment: This variant is classified as likely benign based on ACMG/AMP sequence variant interpretation guidelines (Richards et al. 2015 PMID: 25741868, with internal and published modifications).

NM_002458.3(MUC5B):c.5128C>T (p.Arg1710Cys)

Gene: MUC5B (mucin 5B, oligomeric mucus/gel-forming; plus strand). Cytogenetic location: 11p15.5.
Variant type: single nucleotide variant.
Coding change: c.5128C>T on transcript NM_002458.3 (MANE Select); coding-DNA position 5128, C replaced by T.
Protein change: p.Arg1710Cys; replaces arginine 1710 with cysteine.
Molecular consequence: missense variant.
Genome position (GRCh38, 1-based): chr11:1,242,008, C>T. VCF-style: chr11-1242008-C-T. GRCh37 (hg19) VCF-style: chr11-1263238-C-T.
Other names: short protein forms R1710C.
Identifiers: ClinVar variation 2520532 (VCV002520532.4), dbSNP rs371074019, ClinGen allele CA5805586.